The following is an entry in ClinVar:

ClinVar aggregate classification (germline): Uncertain significance. Review status: criteria provided, multiple submitters, no conflicts (2 of 4 stars). 2 submissions from 2 submitters: Uncertain significance (2). Last evaluated 2025-08-08.

Conditions:
CACNA1F-related disorder. Also called: CACNA1F-related condition.

Submissions (2):

PreventionGenetics, part of Exact Sciences
Classification: Uncertain significance for CACNA1F-related condition. Last evaluated: 2025-08-08. Review status: criteria provided, single submitter. Criteria: ACMG Guidelines, 2015. Collection method: clinical testing. Allele origin: germline.
Comment: The CACNA1F c.2801C>T variant is predicted to result in the amino acid substitution p.Ser934Phe. To our knowledge, this variant has not been reported in the literature or in a large population database (gnomAD), indicating this variant is rare. At this time, the clinical significance of this variant is uncertain due to the absence of conclusive functional and genetic evidence.

Labcorp Genetics (formerly Invitae), Labcorp
Classification: Uncertain significance. Last evaluated: 2025-04-13. Review status: criteria provided, single submitter. Criteria: Invitae Variant Classification Sherloc (09022015). Collection method: clinical testing. Allele origin: germline.
Comment: This sequence change replaces serine, which is neutral and polar, with phenylalanine, which is neutral and non-polar, at codon 934 of the CACNA1F protein (p.Ser934Phe). This variant is not present in population databases (gnomAD no frequency). This variant has not been reported in the literature in individuals affected with CACNA1F-related conditions. Invitae Evidence Modeling of protein sequence and biophysical properties (such as structural, functional, and spatial information, amino acid conservation, physicochemical variation, residue mobility, and thermodynamic stability) indicates that this missense variant is expected to disrupt CACNA1F protein function with a positive predictive value of 80%. In summary, the available evidence is currently insufficient to determine the role of this variant in disease. Therefore, it has been classified as a Variant of Uncertain Significance.

NM_001256789.3(CACNA1F):c.2768C>T (p.Ser923Phe)

Gene: CACNA1F (calcium voltage-gated channel subunit alpha1 F; minus strand). Cytogenetic location: Xp11.23.
Variant type: single nucleotide variant.
Coding change: c.2768C>T on transcript NM_001256789.3 (MANE Select); coding-DNA position 2768, C replaced by T.
Protein change: p.Ser923Phe; replaces serine 923 with phenylalanine.
Molecular consequence: missense variant.
Genome position (GRCh38, 1-based): chrX:49,218,701, G>A on the plus strand (C>T on the coding strand, the complement: CACNA1F is on the minus strand). VCF-style: chrX-49218701-G-A. GRCh37 (hg19) VCF-style: chrX-49075160-G-A.
Other names: c.2606C>T, p.Ser869Phe (NM_001256790.3); c.2801C>T, p.Ser934Phe (NM_005183.4); c.2801C>T (NM_005183.3); short protein forms S923F, S934F, S869F.
Identifiers: ClinVar variation 4745411 (VCV004745411.2).